The following is an entry in ClinVar:

ClinVar aggregate classification (germline): Uncertain significance (1 of 4 stars; one submission).

Conditions:
Glucose-6-phosphate transport defect (GSD1B). Also called: Glycogen Storage Disease Type Ib; GSD Ib. Identifiers: Orphanet 364, Orphanet 79259, MedGen C0268146, MONDO:0009288, OMIM 232220.

Submission:

Labcorp Genetics (formerly Invitae), Labcorp
Classification: Uncertain significance for Glucose-6-phosphate transport defect. Last evaluated: 2024-11-17. Review status: criteria provided, single submitter. Criteria: Invitae Variant Classification Sherloc (09022015). Collection method: clinical testing. Allele origin: germline.
Comment: This sequence change replaces valine, which is neutral and non-polar, with phenylalanine, which is neutral and non-polar, at codon 271 of the SLC37A4 protein (p.Val271Phe). The frequency data for this variant in the population databases is considered unreliable, as metrics indicate poor data quality at this position in the gnomAD database. This variant has not been reported in the literature in individuals affected with SLC37A4-related conditions. Invitae Evidence Modeling of protein sequence and biophysical properties (such as structural, functional, and spatial information, amino acid conservation, physicochemical variation, residue mobility, and thermodynamic stability) indicates that this missense variant is not expected to disrupt SLC37A4 protein function with a negative predictive value of 80%. In summary, the available evidence is currently insufficient to determine the role of this variant in disease. Therefore, it has been classified as a Variant of Uncertain Significance.

NM_001164277.2(SLC37A4):c.811G>T (p.Val271Phe)

Gene: SLC37A4 (solute carrier family 37 member 4; minus strand). Cytogenetic location: 11q23.3.
Variant type: single nucleotide variant.
Coding change: c.811G>T on transcript NM_001164277.2 (MANE Select); coding-DNA position 811, G replaced by T.
Protein change: p.Val271Phe; replaces valine 271 with phenylalanine.
Molecular consequence: missense variant.
Genome position (GRCh38, 1-based): chr11:119,026,662, C>A on the plus strand (G>T on the coding strand, the complement: SLC37A4 is on the minus strand). VCF-style: chr11-119026662-C-A. GRCh37 (hg19) VCF-style: chr11-118897372-C-A.
Other names: c.811G>T, p.Val271Phe (NM_001164278.2, NM_001164280.2, NM_001467.6); c.592G>T, p.Val198Phe (NM_001164279.2); short protein forms V198F, V271F.
Identifiers: ClinVar variation 3712343 (VCV003712343.2).